The following is an entry in ClinVar:

NM_001122630.2(CDKN1C):c.232G>A (p.Ala78Thr)

Gene: CDKN1C (cyclin dependent kinase inhibitor 1C; minus strand). Cytogenetic location: 11p15.4.
Variant type: single nucleotide variant.
Coding change: c.232G>A on transcript NM_001122630.2 (MANE Select); coding-DNA position 232, G replaced by A.
Protein change: p.Ala78Thr; replaces alanine 78 with threonine.
Molecular consequence: missense variant.
Genome position (GRCh38, 1-based): chr11:2,885,225, C>T on the plus strand (G>A on the coding strand, the complement: CDKN1C is on the minus strand). VCF-style: chr11-2885225-C-T. GRCh37 (hg19) VCF-style: chr11-2906455-C-T.
Other names: c.265G>A, p.Ala89Thr (NM_000076.2, NM_001362474.2, LRG_533t1); c.232G>A, p.Ala78Thr (NM_001122631.2, NM_001362475.2); short protein forms A89T, A78T.
Identifiers: ClinVar variation 453993 (VCV000453993.12), dbSNP rs1177512372, ClinGen allele CA379147159.

ClinVar aggregate classification (germline): Uncertain significance. Review status: criteria provided, multiple submitters, no conflicts (2 of 4 stars). 2 submissions from 2 submitters: Uncertain significance (2). Last evaluated 2024-09-03.

Conditions:
Beckwith-Wiedemann syndrome (BWS). Also called: EMG SYNDROME; Exomphalos macroglossia gigantism syndrome. Identifiers: Orphanet 116, MedGen C0004903, MONDO:0007534, OMIM 130650.

Allele frequency attached by ClinVar (database versions not stated): gnomAD 0.00001; gnomAD exomes 0.00001 and 0.00002; TOPMed 0.00001.
gnomAD v4.1: 29 of 1,548,978 alleles (0.0019%); highest among the groups gnomAD compares: Non-Finnish European, 0.0025%; no homozygotes.

Submissions (2):

Labcorp Genetics (formerly Invitae), Labcorp
Classification: Uncertain significance for Beckwith-Wiedemann syndrome. Last evaluated: 2024-09-03. Review status: criteria provided, single submitter. Criteria: Invitae Variant Classification Sherloc (09022015). Collection method: clinical testing. Allele origin: germline.
Comment: This sequence change replaces alanine, which is neutral and non-polar, with threonine, which is neutral and polar, at codon 89 of the CDKN1C protein (p.Ala89Thr). The frequency data for this variant in the population databases is considered unreliable, as metrics indicate poor data quality at this position in the gnomAD database. This variant has not been reported in the literature in individuals affected with CDKN1C-related conditions. ClinVar contains an entry for this variant (Variation ID: 453993). Invitae Evidence Modeling of protein sequence and biophysical properties (such as structural, functional, and spatial information, amino acid conservation, physicochemical variation, residue mobility, and thermodynamic stability) indicates that this missense variant is not expected to disrupt CDKN1C protein function with a negative predictive value of 80%. In summary, the available evidence is currently insufficient to determine the role of this variant in disease. Therefore, it has been classified as a Variant of Uncertain Significance.

Baylor Genetics
Classification: Uncertain significance for Beckwith-Wiedemann syndrome. Last evaluated: 2023-10-03. Review status: criteria provided, single submitter. Criteria: ACMG Guidelines, 2015. Collection method: clinical testing. Allele origin: unknown.